The following is an entry in ClinVar:

NM_014362.4(HIBCH):c.248dup (p.Ile84fs)

Gene: HIBCH (3-hydroxyisobutyryl-CoA hydrolase; minus strand). Cytogenetic location: 2q32.2.
Variant type: Duplication.
Coding change: c.248dup on transcript NM_014362.4 (MANE Select); coding-DNA position 248, one base duplicated (T; older notation c.248dupT).
Protein change: p.Ile84fs; shifts the reading frame from isoleucine 84.
Molecular consequence: frameshift variant.
Genome position (GRCh38, 1-based): chr2:190,294,602, A duplicated on the plus strand (T on the coding strand, the reverse complement: HIBCH is on the minus strand). VCF-style (leftmost placement, unchanged base first): chr2-190294601-C-CA. GRCh37 (hg19) VCF-style: chr2-191159327-C-CA.
Other names: c.248dup, p.Ile84fs (NM_198047.3); short protein forms I84fs.
Identifiers: ClinVar variation 4851872 (VCV004851872.1).
Genomic context (GRCh38, chr2:190,294,601, plus strand): 5'-TTTACCTCTGATATCACCCCCGGCACAGAAAGCCTTTCCTCCTGCTCCCTTTATAATGAT[C>CA]AGGAAAGTTTCAGGATCTTGTTCCCACTTCTATTCAAATGTAACAGAAGATGGTATAAGC-3'

ClinVar aggregate classification (germline): Likely pathogenic (1 of 4 stars; one submission).

Submission:

Dasa
Classification: Likely pathogenic. Last evaluated: 2024-08-15. Review status: criteria provided, single submitter. Criteria: DASA Assertion Criteria. Collection method: clinical testing. Allele origin: germline.
Comment: NM_014362.4(HIBCH):c.248dup (p.Ile84Aspfs*16) introduces a premature termination codon predicted to result in loss of normal protein function. Loss-of-function is an established mechanism of disease for this gene. Multiple computational predictions support a deleterious effect on the gene or gene product. Based on the available data, this variant is classified as likely pathogenic.